The following is an entry in ClinVar:

NM_004991.4(MECOM):c.1211A>G (p.Gln404Arg)

Gene: MECOM (MDS1 and EVI1 complex locus; minus strand). Cytogenetic location: 3q26.2.
Variant type: single nucleotide variant.
Coding change: c.1211A>G on transcript NM_004991.4 (MANE Select); coding-DNA position 1211, A replaced by G.
Protein change: p.Gln404Arg; replaces glutamine 404 with arginine.
Molecular consequence: missense variant. On other transcripts: intron variant (2).
Genome position (GRCh38, 1-based): chr3:169,116,661, T>C on the plus strand (A>G on the coding strand, the complement: MECOM is on the minus strand). VCF-style: chr3-169116661-T-C. GRCh37 (hg19) VCF-style: chr3-168834449-T-C.
Other names: c.842A>G, p.Gln281Arg (NM_001105077.4); c.647A>G, p.Gln216Arg (NM_001105078.4, NM_001164000.2, NM_001205194.2 and 4 more transcripts); c.650A>G, p.Gln217Arg (NM_001163999.2, NM_001366467.2, NM_001366468.2 and 1 more transcripts); c.1211A>G, p.Gln404Arg (NM_001366466.2); c.1133-894A>G (NM_001366473.2); c.569-894A>G (NM_001366474.2); short protein forms Q216R, Q217R, Q281R, Q404R.
Identifiers: ClinVar variation 3871663 (VCV003871663.1).

ClinVar aggregate classification (germline): Uncertain significance (1 of 4 stars; one submission).

Conditions:
Inborn genetic diseases. Identifiers: MedGen C0950123, MeSH D030342.

Submission:

Ambry Genetics
Classification: Uncertain significance for Inborn genetic diseases. Last evaluated: 2025-01-04. Review status: criteria provided, single submitter. Criteria: Ambry Variant Classification Scheme 2023. Collection method: clinical testing. Allele origin: germline.
Comment: The p.Q404R variant (also known as c.1211A>G), located in coding exon 8 of the MECOM gene, results from an A to G substitution at nucleotide position 1211. The glutamine at codon 404 is replaced by arginine, an amino acid with highly similar properties. This amino acid position is conserved. In addition, the in silico prediction for this alteration is inconclusive. Based on the available evidence, the clinical significance of this variant remains unclear.